The following is an entry in ClinVar:

ClinVar aggregate classification (germline): Uncertain significance (1 of 4 stars; one submission).

Conditions:
Cardiomyopathy (CMYO). Also called: Cardiomyopathies. Identifiers: Orphanet 167848, MedGen C0878544, MONDO:0004994, HP:0001638. Inheritance: Various modes of inheritance.

Submission:

Color Diagnostics, LLC DBA Color Health
Classification: Uncertain significance for Cardiomyopathy. Last evaluated: 2023-07-31. Review status: criteria provided, single submitter. Criteria: ACMG Guidelines, 2015. Collection method: clinical testing. Allele origin: germline.
Comment: This missense variant replaces alanine with aspartic acid at codon 1828 of the MYH7 protein. Computational prediction suggests that this variant may not impact protein structure and function (internally defined REVEL score threshold <= 0.5, PMID: 27666373). To our knowledge, functional studies have not been reported for this variant. This variant has not been reported in individuals affected with MYH7-related disorders in the literature. This variant has not been identified in the general population by the Genome Aggregation Database (gnomAD). The available evidence is insufficient to determine the role of this variant in disease conclusively. Therefore, this variant is classified as a Variant of Uncertain Significance.

NM_000257.4(MYH7):c.5483C>A (p.Ala1828Asp)

Gene: MYH7 (myosin heavy chain 7; minus strand). Cytogenetic location: 14q11.2.
Variant type: single nucleotide variant.
Coding change: c.5483C>A on transcript NM_000257.4 (MANE Select); coding-DNA position 5483, C replaced by A.
Protein change: p.Ala1828Asp; replaces alanine 1828 with aspartic acid.
Molecular consequence: missense variant.
Genome position (GRCh38, 1-based): chr14:23,415,071, G>T on the plus strand (C>A on the coding strand, the complement: MYH7 is on the minus strand). VCF-style: chr14-23415071-G-T. GRCh37 (hg19) VCF-style: chr14-23884280-G-T.
Other names: c.5483C>A, p.Ala1828Asp (NM_001407004.1); short protein forms A1828D.
Identifiers: ClinVar variation 3894377 (VCV003894377.1).
Genomic context (GRCh38, chr14:23,415,071, plus strand): 5'-TTGATGCGCCGCTCGCTCTTCCTCATGCCCTTCACCGACTCTGCGTTGCGCTTCTGCTCG[G>T]CCTCCAGCTCATTCTCCAGCTCCCGCACCCGCGCTTCCAGCTTCTGCAGCTGCTTCTTGC-3'
Protein context (NP_000248.2, residues 1818-1838): RVRELENELE[Ala1828Asp]EQKRNAESVK